The following is an entry in ClinVar:

ClinVar aggregate classification (germline): Likely pathogenic (1 of 4 stars; one submission).

Conditions:
Severe combined immunodeficiency due to DCLRE1C deficiency (RS-SCID). Also called: SCID, AUTOSOMAL RECESSIVE, T CELL-NEGATIVE, B CELL-NEGATIVE, NK CELL-POSITIVE, WITH SENSITIVITY TO IONIZING RADIATION. Identifiers: Orphanet 275, MedGen C1865371, MONDO:0011225, OMIM 602450.

Submission:

Next Generation Genetic Polyclinic
Classification: Likely pathogenic for Severe combined immunodeficiency due to DCLRE1C deficiency. Last evaluated: 2025-03-03. Review status: criteria provided, single submitter. Criteria: ACMG Guidelines, 2015. Collection method: curation. Allele origin: germline. Affected: yes. Observed: 1 variant allele.
Comment: The NM_001033855.3:c.86_306del (DCLRE1C) variant results in a deletion of 221 base pairs, likely leading to a frameshift and premature truncation of the Artemis protein. This gene is critical for DNA double-strand break repair during V(D)J recombination in developing lymphocytes. Loss-of-function mutations in DCLRE1C are associated with autosomal recessive severe combined immunodeficiency (SCID) with sensitivity to ionizing radiation (RS-SCID). This variant is absent from control population databases (PM2), predicted to be highly deleterious by in silico tools, and reported as novel. Classified as Likely Pathogenic, fulfilling ACMG criteria: PVS1, PM2, PS4.

NM_001033855.3:c.86_306del

Gene: DCLRE1C (DNA cross-link repair 1C; minus strand).
Variant type: Deletion.
Other names: c.86_306del (NM_001033855.3).
Identifiers: ClinVar variation 4071525 (VCV004071525.1).